The following is an entry in ClinVar:

NM_032444.4(SLX4):c.1739G>A (p.Ser580Asn)

Gene: SLX4 (SLX4 structure-specific endonuclease subunit; minus strand). Cytogenetic location: 16p13.3.
Variant type: single nucleotide variant.
Coding change: c.1739G>A on transcript NM_032444.4 (MANE Select); coding-DNA position 1739, G replaced by A.
Protein change: p.Ser580Asn; replaces serine 580 with asparagine.
Molecular consequence: missense variant.
Genome position (GRCh38, 1-based): chr16:3,596,338, C>T on the plus strand (G>A on the coding strand, the complement: SLX4 is on the minus strand). VCF-style: chr16-3596338-C-T. GRCh37 (hg19) VCF-style: chr16-3646339-C-T.
Other names: short protein forms S580N.
Identifiers: ClinVar variation 1692001 (VCV001692001.7), dbSNP rs755653940, ClinGen allele CA7866423.

ClinVar aggregate classification (germline): Uncertain significance. Review status: criteria provided, multiple submitters, no conflicts (2 of 4 stars). 3 submissions from 3 submitters: Uncertain significance (3). Last evaluated 2024-01-05.

Conditions:
Inborn genetic diseases. Identifiers: MedGen C0950123, MeSH D030342.
Fanconi anemia (FA). Also called: Fanconi's anemia. Identifiers: Orphanet 84, MedGen C0015625, MeSH D005199, MONDO:0019391.

Allele frequency attached by ClinVar (database versions not stated): gnomAD exomes below 0.00001; gnomAD 0.00001; ExAC 0.00003.
gnomAD v4.1: 5 of 1,594,144 alleles (0.00031%); highest among the groups gnomAD compares: African/African-American, 0.0013%; no homozygotes.

Submissions (3):

Labcorp Genetics (formerly Invitae), Labcorp
Classification: Uncertain significance for Fanconi anemia. Last evaluated: 2024-01-05. Review status: criteria provided, single submitter. Criteria: Invitae Variant Classification Sherloc (09022015). Collection method: clinical testing. Allele origin: germline.
Comment: This sequence change replaces serine, which is neutral and polar, with asparagine, which is neutral and polar, at codon 580 of the SLX4 protein (p.Ser580Asn). The frequency data for this variant in the population databases is considered unreliable, as metrics indicate poor data quality at this position in the gnomAD database. This variant has not been reported in the literature in individuals affected with SLX4-related conditions. ClinVar contains an entry for this variant (Variation ID: 1692001). An algorithm developed to predict the effect of missense changes on protein structure and function (PolyPhen-2) suggests that this variant¬†is likely to be tolerated. In summary, the available evidence is currently insufficient to determine the role of this variant in disease. Therefore, it has been classified as a Variant of Uncertain Significance.

Ambry Genetics
Classification: Uncertain significance for Inborn genetic diseases. Last evaluated: 2023-06-12. Review status: criteria provided, single submitter. Criteria: Ambry Variant Classification Scheme 2023. Collection method: clinical testing. Allele origin: germline.

Sema4
Classification: Uncertain significance for Fanconi anemia. Last evaluated: 2021-11-12. Review status: criteria provided, single submitter. Criteria: Sema4 Curation Guidelines. Collection method: curation. Allele origin: germline.
Comment: The SLX4 c.1739G>A (p.S580N) variant has not been reported in the literature to our knowledge. It was observed in 2/244032 chromosomes across all populations in the large and broad cohorts of the Genome Aggregation Database (PMID: 32461654). The variant has not been reported in ClinVar. In silico tools suggest the impact of the variant on protein function is benign, though these predictions have not been confirmed by functional studies. The evidence is insufficient to meet ACMG/AMP criteria for classifying the variant as benign or pathogenic. Thus, the clinical significance of this variant is currently uncertain.